The following is an entry in ClinVar:

ClinVar aggregate classification (germline): Uncertain significance. Review status: criteria provided, multiple submitters, no conflicts (2 of 4 stars). 2 submissions from 2 submitters: Uncertain significance (2). Last evaluated 2023-08-14.

Conditions:
POLD1-related polyposis and colorectal cancer syndrome (CRCS10). Also called: Colorectal cancer, susceptibility to, 10; Colorectal cancer 10; COLORECTAL CANCER, SUSCEPTIBILITY TO, ON CHROMOSOME 19q. Identifiers: Orphanet 220460, MedGen C2675481, MONDO:0012953, OMIM 612591.
Hereditary cancer-predisposing syndrome. Also called: Hereditary neoplastic syndrome; Tumor predisposition; Hereditary Cancer Syndrome; Neoplastic Syndromes, Hereditary. Identifiers: Orphanet 140162, MedGen C0027672, MeSH D009386, MONDO:0015356.

gnomAD v4.1: 4 of 1,593,176 alleles (0.00025%); highest among the groups gnomAD compares: Non-Finnish European, 0.00034%; no homozygotes.

Submissions (2):

Labcorp Genetics (formerly Invitae), Labcorp
Classification: Uncertain significance for POLD1-related polyposis and colorectal cancer syndrome. Last evaluated: 2023-08-14. Review status: criteria provided, single submitter. Criteria: Invitae Variant Classification Sherloc (09022015). Collection method: clinical testing. Allele origin: germline.
Comment: Advanced modeling of protein sequence and biophysical properties (such as structural, functional, and spatial information, amino acid conservation, physicochemical variation, residue mobility, and thermodynamic stability) has been performed at Invitae for this missense variant, however the output from this modeling did not meet the statistical confidence thresholds required to predict the impact of this variant on POLD1 protein function. In summary, the available evidence is currently insufficient to determine the role of this variant in disease. Therefore, it has been classified as a Variant of Uncertain Significance. ClinVar contains an entry for this variant (Variation ID: 652368). This variant has not been reported in the literature in individuals affected with POLD1-related conditions. This variant is not present in population databases (gnomAD no frequency). This sequence change replaces cysteine, which is neutral and slightly polar, with glycine, which is neutral and non-polar, at codon 319 of the POLD1 protein (p.Cys319Gly).

Ambry Genetics
Classification: Uncertain significance for Hereditary cancer-predisposing syndrome. Last evaluated: 2022-12-01. Review status: criteria provided, single submitter. Criteria: Ambry Variant Classification Scheme 2023. Collection method: clinical testing. Allele origin: germline.
Comment: The p.C319G variant (also known as c.955T>G), located in coding exon 7 of the POLD1 gene, results from a T to G substitution at nucleotide position 955. The cysteine at codon 319 is replaced by glycine, an amino acid with highly dissimilar properties. This amino acid position is well conserved in available vertebrate species. In addition, this alteration is predicted to be deleterious by in silico analysis. Since supporting evidence is limited at this time, the clinical significance of this alteration remains unclear.

Literature cited by the submitters: PubMed 30827058 (cited by Ambry Genetics).

NM_002691.4(POLD1):c.955T>G (p.Cys319Gly)

Gene: POLD1 (DNA polymerase delta 1, catalytic subunit; plus strand). Cytogenetic location: 19q13.33.
Variant type: single nucleotide variant.
Coding change: c.955T>G on transcript NM_002691.4 (MANE Select); coding-DNA position 955, T replaced by G.
Protein change: p.Cys319Gly; replaces cysteine 319 with glycine.
Molecular consequence: missense variant. On other transcripts: non-coding transcript variant (1).
Genome position (GRCh38, 1-based): chr19:50,402,726, T>G. VCF-style: chr19-50402726-T-G. GRCh37 (hg19) VCF-style: chr19-50905983-T-G.
Other names: c.955T>G, p.Cys319Gly (NM_001256849.1, NM_001308632.1); short protein forms C319G.
Identifiers: ClinVar variation 652368 (VCV000652368.13), dbSNP rs1601202900, ClinGen allele CA406977392.